The following is an entry in ClinVar:

NM_057175.5(NAA15):c.1190T>G (p.Ile397Arg)

Gene: NAA15 (N-alpha-acetyltransferase 15, NatA auxiliary subunit; plus strand). Cytogenetic location: 4q31.1.
Variant type: single nucleotide variant.
Coding change: c.1190T>G on transcript NM_057175.5 (MANE Select); coding-DNA position 1190, T replaced by G.
Protein change: p.Ile397Arg; replaces isoleucine 397 with arginine.
Molecular consequence: missense variant.
Genome position (GRCh38, 1-based): chr4:139,357,488, T>G. VCF-style: chr4-139357488-T-G. GRCh37 (hg19) VCF-style: chr4-140278642-T-G.
Other names: c.1190T>G, p.Ile397Arg (NM_001410842.1); short protein forms I397R.
Identifiers: ClinVar variation 3252335 (VCV003252335.1), dbSNP rs2530411290.

ClinVar aggregate classification (germline): Likely pathogenic (1 of 4 stars; one submission).

Submission:

GeneDx
Classification: Likely pathogenic. Last evaluated: 2023-12-07. Review status: criteria provided, single submitter. Criteria: GeneDx Variant Classification Process June 2021. Collection method: clinical testing. Allele origin: germline. Affected: yes.
Comment: Not observed at significant frequency in large population cohorts (gnomAD); In silico analysis supports that this missense variant has a deleterious effect on protein structure/function; Has not been previously published as pathogenic or benign to our knowledge